The following is an entry in ClinVar:

NM_007348.4(ATF6):c.629C>T (p.Thr210Met)

Gene: ATF6 (activating transcription factor 6; plus strand). Cytogenetic location: 1q23.3.
Variant type: single nucleotide variant.
Coding change: c.629C>T on transcript NM_007348.4 (MANE Select); coding-DNA position 629, C replaced by T.
Protein change: p.Thr210Met; replaces threonine 210 with methionine.
Molecular consequence: missense variant.
Genome position (GRCh38, 1-based): chr1:161,792,268, C>T. VCF-style: chr1-161792268-C-T. GRCh37 (hg19) VCF-style: chr1-161762058-C-T.
Other names: c.629C>T (NM_007348.3); c.629C>T, p.Thr210Met (NM_001410890.1); short protein forms T210M.
Identifiers: ClinVar variation 1911588 (VCV001911588.5), dbSNP rs138321248, ClinGen allele CA1214248.

ClinVar aggregate classification (germline): Uncertain significance. Review status: criteria provided, multiple submitters, no conflicts (2 of 4 stars). 3 submissions from 3 submitters: Uncertain significance (3). Last evaluated 2025-08-20.

Conditions:
Inborn genetic diseases. Identifiers: MedGen C0950123, MeSH D030342.

Allele frequency attached by ClinVar (database versions not stated): ExAC 0.00002; gnomAD 0.00003; TOPMed 0.00004; ESP Exome Variant Server 0.00008.
gnomAD v4.1: 70 of 1,614,018 alleles (0.0043%); highest among the groups gnomAD compares: East Asian, 0.013%; no homozygotes.

Submissions (3):

Ambry Genetics
Classification: Uncertain significance for Inborn genetic diseases. Last evaluated: 2025-08-20. Review status: criteria provided, single submitter. Criteria: Ambry Variant Classification Scheme 2023. Collection method: clinical testing. Allele origin: germline.

Labcorp Genetics (formerly Invitae), Labcorp
Classification: Uncertain significance. Last evaluated: 2022-03-28. Review status: criteria provided, single submitter. Criteria: Invitae Variant Classification Sherloc (09022015). Collection method: clinical testing. Allele origin: germline.
Comment: This sequence change replaces threonine, which is neutral and polar, with methionine, which is neutral and non-polar, at codon 210 of the ATF6 protein (p.Thr210Met). In summary, the available evidence is currently insufficient to determine the role of this variant in disease. Therefore, it has been classified as a Variant of Uncertain Significance. Algorithms developed to predict the effect of missense changes on protein structure and function are either unavailable or do not agree on the potential impact of this missense change (SIFT: "Tolerated"; PolyPhen-2: "Possibly Damaging"; Align-GVGD: "Class C0"). This variant has not been reported in the literature in individuals affected with ATF6-related conditions. This variant is present in population databases (rs138321248, gnomAD 0.005%).

Blueprint Genetics
Classification: Uncertain significance. Last evaluated: 2021-09-16. Review status: criteria provided, single submitter. Criteria: ACMG Guidelines, 2015. Collection method: clinical testing. Allele origin: germline.